The following is an entry in ClinVar:

NM_001267550.2(TTN):c.5698G>A (p.Val1900Met)

Gene: TTN (titin; minus strand). Cytogenetic location: 2q31.2.
Variant type: single nucleotide variant.
Coding change: c.5698G>A on transcript NM_001267550.2 (MANE Select); coding-DNA position 5698, G replaced by A.
Protein change: p.Val1900Met; replaces valine 1900 with methionine.
Molecular consequence: missense variant.
Genome position (GRCh38, 1-based): chr2:178,776,166, C>T on the plus strand (G>A on the coding strand, the complement: TTN is on the minus strand). VCF-style: chr2-178776166-C-T. GRCh37 (hg19) VCF-style: chr2-179640893-C-T.
Other names: p.V1900M:GTG>ATG; c.5698G>A, p.Val1900Met (NM_001256850.1, NM_133378.4, NM_133379.5); c.5560G>A, p.Val1854Met (NM_003319.4, NM_133432.3, NM_133437.4); short protein forms V1900M, V1854M.
Identifiers: ClinVar variation 203138 (VCV000203138.15), dbSNP rs750823043, ClinGen allele CA311394.

ClinVar aggregate classification (germline): Conflicting classifications of pathogenicity. Review status: criteria provided, conflicting classifications (1 of 4 stars). 5 submissions from 5 submitters: Uncertain significance (4); Likely benign (1). Last evaluated 2026-02-25.

Conditions:
TTN-related disorder. Also called: TTN-related condition; TTN-related disease; TTN-related disorders.
Hypertrophic cardiomyopathy. Also called: HYPERTROPHIC MYOCARDIOPATHY. Identifiers: Orphanet 217569, MedGen C0007194, MeSH D002312, MONDO:0005045, HP:0001639.

Allele frequency attached by ClinVar (database versions not stated): ExAC 0.00002; gnomAD exomes 0.00002; TOPMed 0.00002; gnomAD 0.00003.
gnomAD v4.1: 40 of 1,614,004 alleles (0.0025%); highest among the groups gnomAD compares: Middle Eastern, 0.016%; no homozygotes.

Submissions (5):

PreventionGenetics, part of Exact Sciences
Classification: Uncertain significance for TTN-related condition. Last evaluated: 2026-02-25. Review status: criteria provided, single submitter. Criteria: ACMG Guidelines, 2015. Collection method: clinical testing. Allele origin: germline.
Comment: The TTN c.5698G>A variant is predicted to result in the amino acid substitution p.Val1900Met. To our knowledge, this variant has not been reported in the literature. This variant is reported in 0.010% of alleles in individuals of East Asian descent in gnomAD. At this time, the clinical significance of this variant is uncertain due to the absence of conclusive functional and genetic evidence.

Mayo Clinic Laboratories, Mayo Clinic
Classification: Uncertain significance. Last evaluated: 2020-11-17. Review status: criteria provided, single submitter. Criteria: ACMG Guidelines, 2015. Collection method: clinical testing. Allele origin: germline. Observed: 1 variant allele.

GeneDx
Classification: Likely benign. Last evaluated: 2019-10-16. Review status: criteria provided, single submitter. Criteria: GeneDx Variant Classification Process June 2021. Collection method: clinical testing. Allele origin: germline. Affected: yes.

Eurofins Ntd Llc (ga)
Classification: Uncertain significance. Last evaluated: 2017-11-22. Review status: criteria provided, single submitter. Criteria: EGL Classification Definitions 2015. Collection method: clinical testing. Allele origin: germline. Observed: 1 variant allele, 1 heterozygote.

Genetics and Genomics Program, Sidra Medicine
Classification: Uncertain significance for Hypertrophic cardiomyopathy. Review status: criteria provided, single submitter. Criteria: ACMG Guidelines, 2015. Collection method: research. Allele origin: unknown. Affected: yes. Observed: 1 variant allele.